The following is an entry in ClinVar:

NM_006907.4(PYCR1):c.931C>T (p.Arg311Cys)

Gene: PYCR1 (pyrroline-5-carboxylate reductase 1; minus strand). Cytogenetic location: 17q25.3.
Variant type: single nucleotide variant.
Coding change: c.931C>T on transcript NM_006907.4 (MANE Select); coding-DNA position 931, C replaced by T.
Protein change: p.Arg311Cys; replaces arginine 311 with cysteine.
Molecular consequence: missense variant. On other transcripts: 3 prime UTR variant (1), intron variant (1).
Genome position (GRCh38, 1-based): chr17:81,933,243, G>A on the plus strand (C>T on the coding strand, the complement: PYCR1 is on the minus strand). VCF-style: chr17-81933243-G-A. GRCh37 (hg19) VCF-style: chr17-79891119-G-A.
Other names: c.838C>T, p.Arg280Cys (NM_001282279.2); c.931C>T, p.Arg311Cys (NM_001282280.2); c.1012C>T, p.Arg338Cys (NM_001282281.2); c.*113C>T (NM_001330523.2); c.867+64C>T (NM_153824.3); short protein forms R280C, R311C, R338C.
Identifiers: ClinVar variation 2576941 (VCV002576941.1), dbSNP rs143982437, ClinGen allele CA8845231.

ClinVar aggregate classification (germline): Uncertain significance (1 of 4 stars; one submission).

Submission:

GeneDx
Classification: Uncertain significance. Last evaluated: 2023-08-15. Review status: criteria provided, single submitter. Criteria: GeneDx Variant Classification Process June 2021. Collection method: clinical testing. Allele origin: germline. Affected: yes.
Comment: Not observed at significant frequency in large population cohorts (gnomAD); In silico analysis supports that this missense variant does not alter protein structure/function; Has not been previously published as pathogenic or benign to our knowledge